The following is an entry in ClinVar:

ClinVar aggregate classification (germline): Uncertain significance (1 of 4 stars; one submission).

Conditions:
Charcot-Marie-Tooth disease, type I (CMT1). Also called: Charcot-Marie-Tooth, Type 1; Charcot-Marie-Tooth disease type 1. Identifiers: Orphanet 65753, MedGen C0751036, MONDO:0019011.

Submission:

Labcorp Genetics (formerly Invitae), Labcorp
Classification: Uncertain significance for Charcot-Marie-Tooth disease, type I. Last evaluated: 2021-04-27. Review status: criteria provided, single submitter. Criteria: Invitae Variant Classification Sherloc (09022015). Collection method: clinical testing. Allele origin: germline.
Comment: In summary, the available evidence is currently insufficient to determine the role of this variant in disease. Therefore, it has been classified as a Variant of Uncertain Significance. Algorithms developed to predict the effect of sequence changes on RNA splicing suggest that this variant may create or strengthen a splice site, but this prediction has not been confirmed by published transcriptional studies. This variant has not been reported in the literature in individuals with MPZ-related conditions. This variant is not present in population databases (ExAC no frequency). This sequence change falls in intron 3 of the MPZ gene. It does not directly change the encoded amino acid sequence of the MPZ protein.

NM_000530.8(MPZ):c.448+12G>T

Gene: MPZ (myelin protein zero; minus strand). Cytogenetic location: 1q23.3.
Variant type: single nucleotide variant.
Coding change: c.448+12G>T on transcript NM_000530.8 (MANE Select); 12 bases into the intron after coding-DNA position 448, G replaced by T.
Molecular consequence: intron variant.
Genome position (GRCh38, 1-based): chr1:161,306,696, C>A on the plus strand (G>T on the coding strand, the complement: MPZ is on the minus strand). VCF-style: chr1-161306696-C-A. GRCh37 (hg19) VCF-style: chr1-161276486-C-A.
Other names: c.448+12G>T (NM_001315491.2).
Identifiers: ClinVar variation 1509461 (VCV001509461.8), dbSNP rs2102258615, ClinGen allele CA2573130601.